The following is an entry in ClinVar:

NM_022051.3(EGLN1):c.994A>G (p.Lys332Glu)

Gene: EGLN1 (egl-9 family hypoxia inducible factor 1; minus strand). Cytogenetic location: 1q42.2.
Variant type: single nucleotide variant.
Coding change: c.994A>G on transcript NM_022051.3 (MANE Select); coding-DNA position 994, A replaced by G.
Protein change: p.Lys332Glu; replaces lysine 332 with glutamic acid.
Molecular consequence: missense variant.
Genome position (GRCh38, 1-based): chr1:231,373,997, T>C on the plus strand (A>G on the coding strand, the complement: EGLN1 is on the minus strand). VCF-style: chr1-231373997-T-C. GRCh37 (hg19) VCF-style: chr1-231509743-T-C.
Other names: c.994A>G, p.Lys332Glu (NM_001377260.1, NM_001377261.1); short protein forms K332E.
Identifiers: ClinVar variation 3843862 (VCV003843862.1).

ClinVar aggregate classification (germline): Uncertain significance (1 of 4 stars; one submission).

gnomAD v4.1: 2 of 1,613,858 alleles (0.00012%); highest among the groups gnomAD compares: Non-Finnish European, 0.00017%; no homozygotes.

Submission:

Ambry Genetics
Classification: Uncertain significance. Last evaluated: 2025-02-24. Review status: criteria provided, single submitter. Criteria: Ambry Variant Classification Scheme 2023. Collection method: clinical testing. Allele origin: germline.
Comment: The p.K332E variant (also known as c.994A>G), located in coding exon 2 of the EGLN1 gene, results from an A to G substitution at nucleotide position 994. The lysine at codon 332 is replaced by glutamic acid, an amino acid with similar properties. This amino acid position is conserved. In addition, the in silico prediction for this alteration is inconclusive. Based on the available evidence, the clinical significance of this variant remains unclear.